The following is an entry in ClinVar:

NM_000535.7(PMS2):c.2118_2120dup (p.Tyr707Ter)

Gene: PMS2 (PMS1 homolog 2, mismatch repair system component; minus strand). Cytogenetic location: 7p22.1.
Variant type: Duplication.
Coding change: c.2118_2120dup on transcript NM_000535.7 (MANE Select); coding-DNA positions 2118 to 2120, 3 bases duplicated (GTA; older notation c.2118_2120dupGTA).
Protein change: p.Tyr707Ter; replaces tyrosine 707 with a stop codon.
Molecular consequence: nonsense. On other transcripts: inframe indel (1), non-coding transcript variant (1), intron variant (4).
Genome position (GRCh38, 1-based): chr7:5,982,878-5,982,880, TAC duplicated on the plus strand (GTA on the coding strand, the reverse complement: PMS2 is on the minus strand); duplicating any 3 consecutive bases within chr7:5,982,878-5,982,881 gives the same sequence; the c. name uses the placement nearest the transcript's 3' end. VCF-style (leftmost placement, unchanged base first): chr7-5982877-A-ATAC. GRCh37 (hg19) VCF-style: chr7-6022508-A-ATAC.
Other names: c.1712_1714dup, p.Tyr572_Asn727del (NM_001018040.1); c.1713_1715dup, p.Tyr572Ter (NM_001322003.2, NM_001322004.2, NM_001322005.2 and 14 more transcripts); c.1962_1964dup, p.Tyr655Ter (NM_001322006.2, NM_001406870.1); c.1800_1802dup, p.Tyr601Ter (NM_001322007.2, NM_001322008.2, NM_001406876.1 and 1 more transcripts); c.1557_1559dup, p.Tyr520Ter (NM_001322010.2, NM_001406906.1, NM_001406907.1); c.1185_1187dup, p.Tyr396Ter (NM_001322011.2, NM_001322012.2); c.1545_1547dup, p.Tyr516Ter (NM_001322013.2, NM_001406909.1); c.2118_2120dup, p.Tyr707Ter (NM_001322014.2, NM_001406871.1); and 17 more; short protein forms Y306*, Y549*, Y572*, Y585*, Y604*, Y715*, Y595*, Y599*.
Identifiers: ClinVar variation 2754121 (VCV002754121.3), dbSNP rs2535536400, ClinGen allele CA2697553872.

ClinVar aggregate classification (germline): Pathogenic (1 of 4 stars; one submission).

Conditions:
Hereditary nonpolyposis colorectal neoplasms. Identifiers: MedGen C0009405, MeSH D003123.

Submission:

Labcorp Genetics (formerly Invitae), Labcorp
Classification: Pathogenic for Hereditary nonpolyposis colorectal neoplasms. Last evaluated: 2024-07-30. Review status: criteria provided, single submitter. Criteria: Invitae Variant Classification Sherloc (09022015). Collection method: clinical testing. Allele origin: germline.
Comment: This sequence change creates a premature translational stop signal (p.Tyr707*) in the PMS2 gene. It is expected to result in an absent or disrupted protein product. Loss-of-function variants in PMS2 are known to be pathogenic (PMID: 21376568, 24362816). The frequency data for this variant in the population databases (gnomAD) is considered unreliable due to the presence of homologous sequence, such as pseudogenes or paralogs, in the genome. This variant has not been reported in the literature in individuals affected with PMS2-related conditions. For these reasons, this variant has been classified as Pathogenic.

Literature cited by the submitters: PubMed 21376568; PubMed 24362816.